The following is an entry in ClinVar:

ClinVar aggregate classification (germline): Uncertain significance (1 of 4 stars; one submission).

Submission:

Ambry Genetics
Classification: Uncertain significance. Last evaluated: 2024-02-05. Review status: criteria provided, single submitter. Criteria: Ambry Variant Classification Scheme 2023. Collection method: clinical testing. Allele origin: germline.
Comment: The p.I60T variant (also known as c.179T>C), located in coding exon 3 of the RINT1 gene, results from a T to C substitution at nucleotide position 179. The isoleucine at codon 60 is replaced by threonine, an amino acid with similar properties. This amino acid position is conserved. In addition, this alteration is predicted to be tolerated by in silico analysis. Based on the available evidence, the clinical significance of this alteration remains unclear.

NM_021930.6(RINT1):c.179T>C (p.Ile60Thr)

Gene: RINT1 (RAD50 interactor 1; plus strand). Cytogenetic location: 7q22.3.
Variant type: single nucleotide variant.
Coding change: c.179T>C on transcript NM_021930.6 (MANE Select); coding-DNA position 179, T replaced by C.
Protein change: p.Ile60Thr; replaces isoleucine 60 with threonine.
Molecular consequence: missense variant. On other transcripts: 5 prime UTR variant (3), non-coding transcript variant (1), intron variant (1).
Genome position (GRCh38, 1-based): chr7:105,536,655, T>C. VCF-style: chr7-105536655-T-C. GRCh37 (hg19) VCF-style: chr7-105177102-T-C.
Other names: c.-841T>C (NM_001346600.2); c.-744T>C (NM_001346601.2); c.-364T>C (NM_001346603.2); c.39+43T>C (NM_001346599.2); short protein forms I60T.
Identifiers: ClinVar variation 3227616 (VCV003227616.1), dbSNP rs2485099920, ClinGen allele CA368800292.